The following is an entry in ClinVar:

ClinVar aggregate classification (germline): Uncertain significance. Review status: criteria provided, multiple submitters, no conflicts (2 of 4 stars). 5 submissions from 5 submitters: Uncertain significance (5). Last evaluated 2025-08-25.

Conditions:
Familial adenomatous polyposis 1 (FAP1). Also called: FAMILIAL ADENOMATOUS POLYPOSIS 1, ATTENUATED; POLYPOSIS, ADENOMATOUS INTESTINAL. Identifiers: MedGen C2713442, MONDO:0021056, OMIM 175100. Disease mechanism: loss of function.
Hereditary cancer-predisposing syndrome. Also called: Tumor predisposition; Hereditary Cancer Syndrome; Hereditary neoplastic syndrome; Neoplastic Syndromes, Hereditary. Identifiers: Orphanet 140162, MedGen C0027672, MeSH D009386, MONDO:0015356.

Submissions (5):

Quest Diagnostics Nichols Institute San Juan Capistrano
Classification: Uncertain significance. Last evaluated: 2025-08-25. Review status: criteria provided, single submitter. Criteria: Quest Diagnostics criteria. Collection method: clinical testing. Allele origin: unknown.
Comment: The APC c.2494C>A (p.Pro832Thr) variant has not been reported in individuals with APC-related conditions in the published literature. This variant has not been reported in large, multi-ethnic general populations (Genome Aggregation Database). Analysis of this variant using bioinformatics tools for the prediction of the effect of amino acid changes on protein structure and function yielded predictions that this variant is benign. Based on the available information, we are unable to determine the clinical significance of this variant.

Color Diagnostics, LLC DBA Color Health
Classification: Uncertain significance for Hereditary cancer-predisposing syndrome. Last evaluated: 2024-03-06. Review status: criteria provided, single submitter. Criteria: ACMG Guidelines, 2015. Collection method: clinical testing. Allele origin: germline.
Comment: This missense variant replaces proline with threonine at codon 832 of the APC protein. Computational prediction suggests that this variant may not impact protein structure and function (internally defined REVEL score threshold <= 0.5, PMID: 27666373). To our knowledge, functional studies have not been reported for this variant. This variant has not been reported in individuals affected with hereditary cancer in the literature. This variant has not been identified in the general population by the Genome Aggregation Database (gnomAD). The available evidence is insufficient to determine the role of this variant in disease conclusively. Therefore, this variant is classified as a Variant of Uncertain Significance.

GeneDx
Classification: Uncertain significance. Last evaluated: 2024-01-19. Review status: criteria provided, single submitter. Criteria: GeneDx Variant Classification Process June 2021. Collection method: clinical testing. Allele origin: germline. Affected: yes.
Comment: Not observed at significant frequency in large population cohorts (gnomAD); In silico analysis supports that this missense variant does not alter protein structure/function; Has not been previously published as pathogenic or benign to our knowledge

Labcorp Genetics (formerly Invitae), Labcorp
Classification: Uncertain significance for Familial adenomatous polyposis 1. Last evaluated: 2022-10-14. Review status: criteria provided, single submitter. Criteria: Invitae Variant Classification Sherloc (09022015). Collection method: clinical testing. Allele origin: germline.
Comment: This sequence change replaces proline, which is neutral and non-polar, with threonine, which is neutral and polar, at codon 832 of the APC protein (p.Pro832Thr). This variant is not present in population databases (gnomAD no frequency). This variant has not been reported in the literature in individuals affected with APC-related conditions. ClinVar contains an entry for this variant (Variation ID: 486759). Advanced modeling of protein sequence and biophysical properties (such as structural, functional, and spatial information, amino acid conservation, physicochemical variation, residue mobility, and thermodynamic stability) performed at Invitae indicates that this missense variant is not expected to disrupt APC protein function. In summary, the available evidence is currently insufficient to determine the role of this variant in disease. Therefore, it has been classified as a Variant of Uncertain Significance.

Ambry Genetics
Classification: Uncertain significance for Hereditary cancer-predisposing syndrome. Last evaluated: 2016-08-10. Review status: criteria provided, single submitter. Criteria: Ambry Variant Classification Scheme 2023. Collection method: clinical testing. Allele origin: germline.
Comment: The p.P832T variant (also known as c.2494C>A), located in coding exon 15 of the APC gene, results from a C to A substitution at nucleotide position 2494. The proline at codon 832 is replaced by threonine, an amino acid with highly similar properties. This variant was not reported in population based cohorts in the following databases: Database of Single Nucleotide Polymorphisms (dbSNP), NHLBI Exome Sequencing Project (ESP), and 1000 Genomes Project. In the ESP, this variant was not observed in 6502 samples (13004 alleles) with coverage at this position. To date, this alteration has been detected with an allele frequency of approximately 0.001% (greater than 90000 alleles tested) in our clinical cohort. This amino acid position is highly conserved through reptiles, but is not conserved in lower species. In addition, in silico predictors for this gene do not accurately predict pathogenicity. Since supporting evidence is limited at this time, the clinical significance of this alteration remains unclear.

NM_000038.6(APC):c.2494C>A (p.Pro832Thr)

Gene: APC (APC regulator of Wnt signaling pathway; plus strand). Cytogenetic location: 5q22.2.
Variant type: single nucleotide variant.
Coding change: c.2494C>A on transcript NM_000038.6 (MANE Select); coding-DNA position 2494, C replaced by A.
Protein change: p.Pro832Thr; replaces proline 832 with threonine.
Molecular consequence: missense variant.
Genome position (GRCh38, 1-based): chr5:112,838,088, C>A. VCF-style: chr5-112838088-C-A. GRCh37 (hg19) VCF-style: chr5-112173785-C-A.
Other names: c.2524C>A, p.Pro842Thr (NM_001354897.2); c.2419C>A, p.Pro807Thr (NM_001354898.2); c.2410C>A, p.Pro804Thr (NM_001354899.2); c.2371C>A, p.Pro791Thr (NM_001354900.2); c.2317C>A, p.Pro773Thr (NM_001354901.2); c.2221C>A, p.Pro741Thr (NM_001354902.2); c.2191C>A, p.Pro731Thr (NM_001354903.2); c.2116C>A, p.Pro706Thr (NM_001354904.2); and 5 more; short protein forms P814T, P832T, P804T, P672T, P706T, P842T, P850T, P791T.
Identifiers: ClinVar variation 486759 (VCV000486759.19), dbSNP rs1554084213, ClinGen allele CA16026802.
Genomic context (GRCh38, chr5:112,838,088, plus strand): 5'-GACAATTTTAATACTGGCAACATGACTGTCCTTTCACCATATTTGAATACTACAGTGTTA[C>A]CCAGCTCCTCTTCATCAAGAGGAAGCTTAGATAGTTCTCGTTCTGAAAAAGATAGAAGTT-3'
Protein context (NP_000029.2, residues 822-842): LSPYLNTTVL[Pro832Thr]SSSSSRGSLD